The following is an entry in ClinVar:

ClinVar aggregate classification (germline): Uncertain significance. Review status: criteria provided, multiple submitters, no conflicts (2 of 4 stars). 2 submissions from 2 submitters: Uncertain significance (2). Last evaluated 2023-06-13.

Conditions:
Alstrom syndrome (ALMS). Identifiers: Orphanet 64, MedGen C0268425, MONDO:0008763, OMIM 203800.
Cardiovascular phenotype. Identifiers: MedGen CN230736.

Allele frequency attached by ClinVar (database versions not stated): gnomAD 0.00001; TOPMed 0.00001; gnomAD exomes 0.00004.
gnomAD v4.1: 52 of 1,613,920 alleles (0.0032%); highest among the groups gnomAD compares: Non-Finnish European, 0.0043%; no homozygotes.

Submissions (2):

Ambry Genetics
Classification: Uncertain significance for Cardiovascular phenotype. Last evaluated: 2023-06-13. Review status: criteria provided, single submitter. Criteria: Ambry Variant Classification Scheme 2023. Collection method: clinical testing. Allele origin: germline.
Comment: The p.H1960Q variant (also known as c.5880T>A), located in coding exon 8 of the ALMS1 gene, results from a T to A substitution at nucleotide position 5880. The histidine at codon 1960 is replaced by glutamine, an amino acid with highly similar properties. This amino acid position is not well conserved in available vertebrate species. In addition, this alteration is predicted to be tolerated by in silico analysis. Since supporting evidence is limited at this time, the clinical significance of this alteration remains unclear.

Labcorp Genetics (formerly Invitae), Labcorp
Classification: Uncertain significance for Alstrom syndrome. Last evaluated: 2022-03-29. Review status: criteria provided, single submitter. Criteria: Invitae Variant Classification Sherloc (09022015). Collection method: clinical testing. Allele origin: germline.
Comment: This sequence change replaces histidine, which is basic and polar, with glutamine, which is neutral and polar, at codon 1960 of the ALMS1 protein (p.His1960Gln). This variant is not present in population databases (gnomAD no frequency). This variant has not been reported in the literature in individuals affected with ALMS1-related conditions. Experimental studies and prediction algorithms are not available or were not evaluated, and the functional significance of this variant is currently unknown. In summary, the available evidence is currently insufficient to determine the role of this variant in disease. Therefore, it has been classified as a Variant of Uncertain Significance.

NM_001378454.1(ALMS1):c.5877T>A (p.His1959Gln)

Gene: ALMS1 (ALMS1 centrosome and basal body associated protein; plus strand). Cytogenetic location: 2p13.1.
Variant type: single nucleotide variant.
Coding change: c.5877T>A on transcript NM_001378454.1 (MANE Select); coding-DNA position 5877, T replaced by A.
Protein change: p.His1959Gln; replaces histidine 1959 with glutamine.
Molecular consequence: missense variant.
Genome position (GRCh38, 1-based): chr2:73,452,404, T>A. VCF-style: chr2-73452404-T-A. GRCh37 (hg19) VCF-style: chr2-73679531-T-A.
Other names: c.5880T>A, p.His1960Gln (NM_015120.4); short protein forms H1959Q, H1960Q.
Identifiers: ClinVar variation 1906104 (VCV001906104.4), dbSNP rs757511695, ClinGen allele CA50397119.
Genomic context (GRCh38, chr2:73,452,404, plus strand): 5'-TTACTACTCACGTAGAGAGAAGCCCAGTGTTATCTCTCAACAGGAGTTGCCAGACAGTCA[T>A]CTCACAGAAGAGGCTCTGAAAGTTTCACCTGTTTCTATACCAGCAGAGCAGAAGACTGGG-3'
Protein context (NP_001365383.1, residues 1949-1969): VISQQELPDS[His1959Gln]LTEEALKVSP